The following is an entry in ClinVar:

NM_005732.4(RAD50):c.2685del (p.Thr896fs)

Gene: RAD50 (RAD50 double strand break repair protein; plus strand). Cytogenetic location: 5q31.1.
Variant type: Deletion.
Coding change: c.2685del on transcript NM_005732.4 (MANE Select); coding-DNA position 2685, one base deleted (C; older notation c.2685delC).
Protein change: p.Thr896fs; shifts the reading frame from threonine 896.
Molecular consequence: frameshift variant.
Genome position (GRCh38, 1-based): chr5:132,604,966, C deleted; the last of 2 consecutive C bases (chr5:132,604,965-132,604,966); deleting either gives the same sequence. VCF-style (leftmost placement, unchanged base first): chr5-132604964-TC-T. GRCh37 (hg19) VCF-style: chr5-131940656-TC-T.
Other names: c.2685delC (NM_005732.3); short protein forms T896fs.
Identifiers: ClinVar variation 2757180 (VCV002757180.4), dbSNP rs2149847849, ClinGen allele CA2697546494.

ClinVar aggregate classification (germline): Pathogenic. Review status: criteria provided, multiple submitters, no conflicts (2 of 4 stars). 2 submissions from 2 submitters: Pathogenic (2). Last evaluated 2023-11-13.

Conditions:
Hereditary cancer-predisposing syndrome. Also called: Neoplastic Syndromes, Hereditary; Hereditary Cancer Syndrome; Hereditary neoplastic syndrome; Tumor predisposition. Identifiers: Orphanet 140162, MedGen C0027672, MeSH D009386, MONDO:0015356.

Submissions (2):

Ambry Genetics
Classification: Pathogenic for Hereditary cancer-predisposing syndrome. Last evaluated: 2023-11-13. Review status: criteria provided, single submitter. Criteria: Ambry Variant Classification Scheme 2023. Collection method: clinical testing. Allele origin: germline.
Comment: The c.2685delC pathogenic mutation, located in coding exon 16 of the RAD50 gene, results from a deletion of one nucleotide at nucleotide position 2685, causing a translational frameshift with a predicted alternate stop codon (p.T896Lfs*10). This alteration is expected to result in loss of function by premature protein truncation or nonsense-mediated mRNA decay. As such, this alteration is interpreted as a disease-causing mutation.

Labcorp Genetics (formerly Invitae), Labcorp
Classification: Pathogenic for Hereditary cancer-predisposing syndrome. Last evaluated: 2023-10-16. Review status: criteria provided, single submitter. Criteria: Invitae Variant Classification Sherloc (09022015). Collection method: clinical testing. Allele origin: germline.
Comment: This sequence change creates a premature translational stop signal (p.Thr896Leufs*10) in the RAD50 gene. It is expected to result in an absent or disrupted protein product. Loss-of-function variants in RAD50 are known to be pathogenic (PMID: 19409520). This variant is not present in population databases (gnomAD no frequency). This variant has not been reported in the literature in individuals affected with RAD50-related conditions. For these reasons, this variant has been classified as Pathogenic.

Literature cited by the submitters: PubMed 19409520 (cited by Labcorp Genetics (formerly Invitae), Labcorp).